The following is an entry in ClinVar:

NM_001122752.2(SERPINI1):c.53G>C (p.Gly18Ala)

Gene: SERPINI1 (serpin family I member 1; plus strand). Cytogenetic location: 3q26.1.
Variant type: single nucleotide variant.
Coding change: c.53G>C on transcript NM_001122752.2 (MANE Select); coding-DNA position 53, G replaced by C.
Protein change: p.Gly18Ala; replaces glycine 18 with alanine.
Molecular consequence: missense variant.
Genome position (GRCh38, 1-based): chr3:167,789,181, G>C. VCF-style: chr3-167789181-G-C. GRCh37 (hg19) VCF-style: chr3-167506969-G-C.
Other names: c.53G>C, p.Gly18Ala (NM_005025.5); short protein forms G18A.
Identifiers: ClinVar variation 649612 (VCV000649612.7), dbSNP rs577994777, ClinGen allele CA2694718.

ClinVar aggregate classification (germline): Uncertain significance (1 of 4 stars; one submission).

Conditions:
Familial encephalopathy with neuroserpin inclusion bodies. Also called: ENCEPHALOPATHY, FAMILIAL, WITH COLLINS BODIES. Identifiers: Orphanet 85110, MedGen C1858680, MONDO:0011412, OMIM 604218.

Allele frequency attached by ClinVar (database versions not stated): gnomAD exomes below 0.00001; ExAC 0.00001; gnomAD 0.00001; 1000 Genomes Project 30x 0.00016; 1000 Genomes Project 0.00020.
gnomAD v4.1: 2 of 1,614,090 alleles (0.00012%); highest among the groups gnomAD compares: South Asian, 0.0022%; no homozygotes.

Submission:

Labcorp Genetics (formerly Invitae), Labcorp
Classification: Uncertain significance for Familial encephalopathy with neuroserpin inclusion bodies. Last evaluated: 2024-06-04. Review status: criteria provided, single submitter. Criteria: Invitae Variant Classification Sherloc (09022015). Collection method: clinical testing. Allele origin: germline.
Comment: This sequence change replaces glycine, which is neutral and non-polar, with alanine, which is neutral and non-polar, at codon 18 of the SERPINI1 protein (p.Gly18Ala). This variant is present in population databases (rs577994777, gnomAD 0.003%). This variant has not been reported in the literature in individuals affected with SERPINI1-related conditions. ClinVar contains an entry for this variant (Variation ID: 649612). Advanced modeling of protein sequence and biophysical properties (such as structural, functional, and spatial information, amino acid conservation, physicochemical variation, residue mobility, and thermodynamic stability) performed at Invitae indicates that this missense variant is not expected to disrupt SERPINI1 protein function with a negative predictive value of 95%. In summary, the available evidence is currently insufficient to determine the role of this variant in disease. Therefore, it has been classified as a Variant of Uncertain Significance.